The following is an entry in ClinVar:

ClinVar aggregate classification (germline): Uncertain significance (1 of 4 stars; one submission).

Allele frequency attached by ClinVar (database versions not stated): TOPMed below 0.00001; gnomAD exomes 0.00001; ExAC 0.00002.
gnomAD v4.1: 3 of 1,614,116 alleles (0.00019%); highest among the groups gnomAD compares: Admixed American, 0.005%; no homozygotes.

Submission:

Labcorp Genetics (formerly Invitae), Labcorp
Classification: Uncertain significance. Last evaluated: 2022-09-13. Review status: criteria provided, single submitter. Criteria: Invitae Variant Classification Sherloc (09022015). Collection method: clinical testing. Allele origin: germline.
Comment: In summary, the available evidence is currently insufficient to determine the role of this variant in disease. Therefore, it has been classified as a Variant of Uncertain Significance. Advanced modeling of protein sequence and biophysical properties (such as structural, functional, and spatial information, amino acid conservation, physicochemical variation, residue mobility, and thermodynamic stability) performed at Invitae indicates that this missense variant is not expected to disrupt KMT2A protein function. ClinVar contains an entry for this variant (Variation ID: 1467613). This variant has not been reported in the literature in individuals affected with KMT2A-related conditions. This variant is present in population databases (rs782104513, gnomAD 0.009%). This sequence change replaces lysine, which is basic and polar, with asparagine, which is neutral and polar, at codon 1922 of the KMT2A protein (p.Lys1922Asn).

NM_001197104.2(KMT2A):c.5766G>T (p.Lys1922Asn)

Gene: KMT2A (lysine methyltransferase 2A; plus strand). Cytogenetic location: 11q23.3.
Variant type: single nucleotide variant.
Coding change: c.5766G>T on transcript NM_001197104.2 (MANE Select); coding-DNA position 5766, G replaced by T.
Protein change: p.Lys1922Asn; replaces lysine 1922 with asparagine.
Molecular consequence: missense variant.
Genome position (GRCh38, 1-based): chr11:118,498,037, G>T. VCF-style: chr11-118498037-G-T. GRCh37 (hg19) VCF-style: chr11-118368752-G-T.
Other names: c.5757G>T, p.Lys1919Asn (NM_005933.4); short protein forms K1922N, K1919N.
Identifiers: ClinVar variation 1467613 (VCV001467613.6), dbSNP rs782104513, ClinGen allele CA6304107.